The following is an entry in ClinVar:

ClinVar aggregate classification (germline): Conflicting classifications of pathogenicity. Review status: criteria provided, conflicting classifications (1 of 4 stars). 2 submissions from 2 submitters: Uncertain significance (1); Likely benign (1). Last evaluated 2025-09-16.

Allele frequency attached by ClinVar (database versions not stated): TOPMed 0.00002; ExAC 0.00002; gnomAD 0.00003; gnomAD exomes 0.00001.
gnomAD v4.1: 21 of 1,614,038 alleles (0.0013%); highest among the groups gnomAD compares: Non-Finnish European, 0.0017%; no homozygotes.

Submissions (2):

Labcorp Genetics (formerly Invitae), Labcorp
Classification: Uncertain significance. Last evaluated: 2025-09-16. Review status: criteria provided, single submitter. Criteria: Invitae Variant Classification Sherloc (09022015). Collection method: clinical testing. Allele origin: germline.
Comment: This sequence change replaces aspartic acid, which is acidic and polar, with glycine, which is neutral and non-polar, at codon 1252 of the ASXL1 protein (p.Asp1252Gly). This variant is present in population databases (rs202102305, gnomAD 0.0009%). This variant has not been reported in the literature in individuals affected with ASXL1-related conditions. ClinVar contains an entry for this variant (Variation ID: 2902525). An algorithm developed to predict the effect of missense changes on protein structure and function outputs the following: PolyPhen-2: "Benign". The glycine amino acid residue is found in multiple mammalian species, which suggests that this missense change does not adversely affect protein function. In summary, the available evidence is currently insufficient to determine the role of this variant in disease. Therefore, it has been classified as a Variant of Uncertain Significance.

Laboratory of Genetics, Children's Clinical University Hospital Latvia
Classification: Likely benign. Last evaluated: 2025-02-16. Review status: criteria provided, single submitter. Criteria: ACMG Guidelines, 2015. Collection method: clinical testing. Allele origin: germline. Affected: yes.

NM_015338.6(ASXL1):c.3755A>G (p.Asp1252Gly)

Gene: ASXL1 (ASXL transcriptional regulator 1; plus strand). Cytogenetic location: 20q11.21.
Variant type: single nucleotide variant.
Coding change: c.3755A>G on transcript NM_015338.6 (MANE Select); coding-DNA position 3755, A replaced by G.
Protein change: p.Asp1252Gly; replaces aspartic acid 1252 with glycine.
Molecular consequence: missense variant.
Genome position (GRCh38, 1-based): chr20:32,436,467, A>G. VCF-style: chr20-32436467-A-G. GRCh37 (hg19) VCF-style: chr20-31024270-A-G.
Other names: c.3572A>G, p.Asp1191Gly (NM_001363734.1); short protein forms D1191G, D1252G.
Identifiers: ClinVar variation 2902525 (VCV002902525.4), dbSNP rs202102305, ClinGen allele CA9808892.
Genomic context (GRCh38, chr20:32,436,467, plus strand): 5'-AAGAGCAGTTCTCTTCCTTTAGTTGTGAAGATCAGAAGGAAGTCCGTGCTATGTCACAGG[A>G]CAGTAATTCAAATGCTGCTCCAGGAAAGAGCCCAGGAGATCTTACTACCTCGAGAACACC-3'
Protein context (NP_056153.2, residues 1242-1262): DQKEVRAMSQ[Asp1252Gly]SNSNAAPGKS